The following is an entry in ClinVar:

NM_031407.7(HUWE1):c.8310G>A (p.Gln2770=)

Gene: HUWE1 (HECT, UBA and WWE domain containing E3 ubiquitin protein ligase 1; minus strand). Cytogenetic location: Xp11.22.
Variant type: single nucleotide variant.
Coding change: c.8310G>A on transcript NM_031407.7 (MANE Select); coding-DNA position 8310, G replaced by A.
Protein change: p.Gln2770=; no amino-acid change (glutamine 2770 retained).
Molecular consequence: synonymous variant.
Genome position (GRCh38, 1-based): chrX:53,554,817, C>T on the plus strand (G>A on the coding strand, the complement: HUWE1 is on the minus strand). VCF-style: chrX-53554817-C-T. GRCh37 (hg19) VCF-style: chrX-53581778-C-T.
Identifiers: ClinVar variation 2166541 (VCV002166541.11), dbSNP rs373286470, ClinGen allele CA10421804.

ClinVar aggregate classification (germline): Benign/Likely benign. Review status: criteria provided, multiple submitters, no conflicts (2 of 4 stars). 2 submissions from 2 submitters: Benign (1); Likely benign (1). Last evaluated 2025-09-01.

Allele frequency attached by ClinVar (database versions not stated): ExAC 0.00005; gnomAD 0.00005; gnomAD exomes 0.00008; TOPMed 0.00008; ESP Exome Variant Server 0.00009.
gnomAD v4.1: 88 of 1,209,245 alleles (0.0073%); highest among the groups gnomAD compares: Non-Finnish European, 0.0094%; no homozygotes.

Submissions (2):

CeGaT Center for Human Genetics Tuebingen
Classification: Likely benign. Last evaluated: 2025-09-01. Review status: criteria provided, single submitter. Criteria: CeGaT Center For Human Genetics Tuebingen Variant Classification Criteria Version 2. Collection method: clinical testing. Allele origin: germline. Affected: yes. Observed: 1 variant allele.
Comment: HUWE1: BP4, BP7, BS2

Labcorp Genetics (formerly Invitae), Labcorp
Classification: Benign. Last evaluated: 2024-07-15. Review status: criteria provided, single submitter. Criteria: Invitae Variant Classification Sherloc (09022015). Collection method: clinical testing. Allele origin: germline.